The following is an entry in ClinVar:

NM_001042492.3(NF1):c.4603C>T (p.Pro1535Ser)

Gene: NF1 (neurofibromin 1; plus strand). Cytogenetic location: 17q11.2.
Variant type: single nucleotide variant.
Coding change: c.4603C>T on transcript NM_001042492.3 (MANE Select); coding-DNA position 4603, C replaced by T.
Protein change: p.Pro1535Ser; replaces proline 1535 with serine.
Molecular consequence: missense variant.
Genome position (GRCh38, 1-based): chr17:31,261,736, C>T. VCF-style: chr17-31261736-C-T. GRCh37 (hg19) VCF-style: chr17-29588754-C-T.
Other names: c.4540C>T, p.Pro1514Ser (NM_000267.4); short protein forms P1535S, P1514S.
Identifiers: ClinVar variation 3879109 (VCV003879109.2).

ClinVar aggregate classification (germline): Uncertain significance. Review status: criteria provided, multiple submitters, no conflicts (2 of 4 stars). 2 submissions from 2 submitters: Uncertain significance (2). Last evaluated 2026-01-15.

Conditions:
Cardiovascular phenotype. Identifiers: MedGen CN230736.
Hereditary cancer-predisposing syndrome. Also called: Hereditary neoplastic syndrome; Neoplastic Syndromes, Hereditary; Hereditary Cancer Syndrome; Tumor predisposition. Identifiers: Orphanet 140162, MedGen C0027672, MeSH D009386, MONDO:0015356.

gnomAD v4.1: 1 of 1,612,106 alleles (0.000062%); highest among the groups gnomAD compares: Non-Finnish European, 0.000085%; no homozygotes.

Submissions (2):

GeneDx
Classification: Uncertain significance. Last evaluated: 2026-01-15. Review status: criteria provided, single submitter. Criteria: GeneDx Variant Classification Process June 2021. Collection method: clinical testing. Allele origin: germline.
Comment: Not observed at significant frequency in large population cohorts (gnomAD); In silico analysis supports that this missense variant has a deleterious effect on protein structure/function; Has not been previously published as pathogenic or benign to our knowledge; This variant is associated with the following publications: (PMID: 22807134)

Ambry Genetics
Classification: Uncertain significance for Cardiovascular phenotype; Hereditary cancer-predisposing syndrome. Last evaluated: 2025-02-13. Review status: criteria provided, single submitter. Criteria: Ambry Variant Classification Scheme 2023. Collection method: clinical testing. Allele origin: germline.
Comment: The p.P1514S variant (also known as c.4540C>T), located in coding exon 34 of the NF1 gene, results from a C to T substitution at nucleotide position 4540. The proline at codon 1514 is replaced by serine, an amino acid with similar properties. This amino acid position is conserved. In addition, the in silico prediction for this alteration is inconclusive. Based on the available evidence, the clinical significance of this variant remains unclear.